The following is an entry in ClinVar:

NM_015691.5(WWC3):c.3339C>T (p.Cys1113=)

Gene: WWC3 (WWC family member 3; plus strand). Cytogenetic location: Xp22.2.
Variant type: single nucleotide variant.
Coding change: c.3339C>T on transcript NM_015691.5; coding-DNA position 3339, C replaced by T.
Protein change: p.Cys1113=; no amino-acid change (cysteine 1113 retained).
Molecular consequence: synonymous variant.
Genome position (GRCh38, 1-based): chrX:10,138,816, C>T. VCF-style: chrX-10138816-C-T. GRCh37 (hg19) VCF-style: chrX-10106856-C-T.
Identifiers: ClinVar variation 2659970 (VCV002659970.24), dbSNP rs752613301, ClinGen allele CA10346860.

ClinVar aggregate classification (germline): Likely benign (1 of 4 stars; one submission).

Allele frequency attached by ClinVar (database versions not stated): ExAC 0.00001; gnomAD exomes 0.00003; gnomAD 0.00005; TOPMed 0.00005; 1000 Genomes Project 30x 0.00021; 1000 Genomes Project 0.00026.

Submission:

CeGaT Center for Human Genetics Tuebingen
Classification: Likely benign. Last evaluated: 2022-07-01. Review status: criteria provided, single submitter. Criteria: CeGaT Center For Human Genetics Tuebingen Variant Classification Criteria Version 2. Collection method: clinical testing. Allele origin: germline. Affected: yes. Observed: 1 variant allele.
Comment: WWC3: BP4, BP7